The following is an entry in ClinVar:

NM_016169.4(SUFU):c.146C>G (p.Pro49Arg)

Gene: SUFU (SUFU negative regulator of hedgehog signaling; plus strand). Cytogenetic location: 10q24.32.
Variant type: single nucleotide variant.
Coding change: c.146C>G on transcript NM_016169.4 (MANE Select); coding-DNA position 146, C replaced by G.
Protein change: p.Pro49Arg; replaces proline 49 with arginine.
Molecular consequence: missense variant.
Genome position (GRCh38, 1-based): chr10:102,504,298, C>G. VCF-style: chr10-102504298-C-G. GRCh37 (hg19) VCF-style: chr10-104264055-C-G.
Other names: c.146C>G, p.Pro49Arg (NM_001178133.2); short protein forms P49R.
Identifiers: ClinVar variation 4551650 (VCV004551650.1).

ClinVar aggregate classification (germline): Uncertain significance (1 of 4 stars; one submission).

Conditions:
Hereditary cancer-predisposing syndrome. Also called: Tumor predisposition; Hereditary Cancer Syndrome; Hereditary neoplastic syndrome; Neoplastic Syndromes, Hereditary. Identifiers: Orphanet 140162, MedGen C0027672, MeSH D009386, MONDO:0015356.

Submission:

Ambry Genetics
Classification: Uncertain significance for Hereditary cancer-predisposing syndrome. Last evaluated: 2025-10-05. Review status: criteria provided, single submitter. Criteria: Ambry Variant Classification Scheme 2023. Collection method: clinical testing. Allele origin: germline.
Comment: The p.P49R variant (also known as c.146C>G), located in coding exon 1 of the SUFU gene, results from a C to G substitution at nucleotide position 146. The proline at codon 49 is replaced by arginine, an amino acid with dissimilar properties. This amino acid position is conserved. In addition, the in silico prediction for this alteration is inconclusive. Based on the available evidence, the clinical significance of this variant remains unclear.